The following is an entry in ClinVar:

ClinVar aggregate classification (germline): Uncertain significance (1 of 4 stars; one submission).

gnomAD v4.1: 2 of 1,612,658 alleles (0.00012%); highest among the groups gnomAD compares: South Asian, 0.0011%; no homozygotes.

Submission:

Dasa
Classification: Uncertain significance. Last evaluated: 2025-12-31. Review status: criteria provided, single submitter. Criteria: DASA Assertion Criteria. Collection method: clinical testing. Allele origin: germline.
Comment: NM_001163809.2(WDR81):c.4682G>A (p.Ser1561Asn) is a missense variant that results in the substitution of serine with asparagine. This variant is rare in population databases. The currently available literature and clinical evidence are not sufficient to establish a definitive association between this variant and the reported condition. Therefore, this variant is classified as a variant of uncertain significance.

NM_001163809.2(WDR81):c.4682G>A (p.Ser1561Asn)

Gene: WDR81 (WD repeat domain 81; plus strand). Cytogenetic location: 17p13.3.
Variant type: single nucleotide variant.
Coding change: c.4682G>A on transcript NM_001163809.2 (MANE Select); coding-DNA position 4682, G replaced by A.
Protein change: p.Ser1561Asn; replaces serine 1561 with asparagine.
Molecular consequence: missense variant.
Genome position (GRCh38, 1-based): chr17:1,733,719, G>A. VCF-style: chr17-1733719-G-A. GRCh37 (hg19) VCF-style: chr17-1637013-G-A.
Other names: c.1073G>A, p.Ser358Asn (NM_001163673.2); c.1001G>A, p.Ser334Asn (NM_001163811.2); c.1529G>A, p.Ser510Asn (NM_152348.4); short protein forms S1561N, S334N, S358N, S510N.
Identifiers: ClinVar variation 4856859 (VCV004856859.2).